The following is an entry in ClinVar:

ClinVar aggregate classification (germline): Uncertain significance. Review status: criteria provided, multiple submitters, no conflicts (2 of 4 stars). 2 submissions from 2 submitters: Uncertain significance (2). Last evaluated 2024-01-22.

Conditions:
Cardiovascular phenotype. Identifiers: MedGen CN230736.
Arrhythmogenic right ventricular dysplasia 5. Also called: Arrhythmogenic Right Ventricular Dysplasia/Cardiomyopathy 5; ARRHYTHMOGENIC RIGHT VENTRICULAR DYSPLASIA, FAMILIAL, 5. Identifiers: MedGen C1858379, MONDO:0011459, OMIM 604400.

Allele frequency attached by ClinVar (database versions not stated): gnomAD exomes below 0.00001.

Submissions (2):

Ambry Genetics
Classification: Uncertain significance for Cardiovascular phenotype. Last evaluated: 2024-01-22. Review status: criteria provided, single submitter. Criteria: Ambry Variant Classification Scheme 2023. Collection method: clinical testing. Allele origin: germline.
Comment: The p.E229K variant (also known as c.685G>A), located in coding exon 8 of the TMEM43 gene, results from a G to A substitution at nucleotide position 685. The glutamic acid at codon 229 is replaced by lysine, an amino acid with similar properties. This amino acid position is well conserved in available vertebrate species. In addition, this alteration is predicted to be tolerated by in silico analysis. Based on the available evidence, the clinical significance of this alteration remains unclear.

Labcorp Genetics (formerly Invitae), Labcorp
Classification: Uncertain significance for Arrhythmogenic right ventricular dysplasia 5. Last evaluated: 2021-07-07. Review status: criteria provided, single submitter. Criteria: Invitae Variant Classification Sherloc (09022015). Collection method: clinical testing. Allele origin: germline.
Comment: This variant has not been reported in the literature in individuals affected with TMEM43-related conditions. In summary, the available evidence is currently insufficient to determine the role of this variant in disease. Therefore, it has been classified as a Variant of Uncertain Significance. Algorithms developed to predict the effect of missense changes on protein structure and function (SIFT, PolyPhen-2, Align-GVGD) all suggest that this variant is likely to be tolerated. This variant is not present in population databases (ExAC no frequency). This sequence change replaces glutamic acid with lysine at codon 229 of the TMEM43 protein (p.Glu229Lys). The glutamic acid residue is moderately conserved and there is a small physicochemical difference between glutamic acid and lysine.

NM_024334.3(TMEM43):c.685G>A (p.Glu229Lys)

Gene: TMEM43 (transmembrane protein 43; plus strand). Cytogenetic location: 3p25.1.
Variant type: single nucleotide variant.
Coding change: c.685G>A on transcript NM_024334.3 (MANE Select); coding-DNA position 685, G replaced by A.
Protein change: p.Glu229Lys; replaces glutamic acid 229 with lysine.
Molecular consequence: missense variant.
Genome position (GRCh38, 1-based): chr3:14,134,871, G>A. VCF-style: chr3-14134871-G-A. GRCh37 (hg19) VCF-style: chr3-14176371-G-A.
Other names: c.685G>A (NM_024334.2); short protein forms E229K.
Identifiers: ClinVar variation 1350176 (VCV001350176.7), dbSNP rs1304261093, ClinGen allele CA351535639.